The following is an entry in ClinVar:

ClinVar aggregate classification (germline): Uncertain significance (1 of 4 stars; one submission).

Allele frequency attached by ClinVar (database versions not stated): gnomAD exomes 0.00001; ExAC 0.00002.
gnomAD v4.1: 14 of 1,613,572 alleles (0.00087%); highest among the groups gnomAD compares: Admixed American, 0.005%; no homozygotes.

Submission:

Labcorp Genetics (formerly Invitae), Labcorp
Classification: Uncertain significance. Last evaluated: 2022-08-31. Review status: criteria provided, single submitter. Criteria: Invitae Variant Classification Sherloc (09022015). Collection method: clinical testing. Allele origin: germline.
Comment: In summary, the available evidence is currently insufficient to determine the role of this variant in disease. Therefore, it has been classified as a Variant of Uncertain Significance. Algorithms developed to predict the effect of missense changes on protein structure and function are either unavailable or do not agree on the potential impact of this missense change (SIFT: "Tolerated"; PolyPhen-2: "Probably Damaging"; Align-GVGD: "Class C0"). This variant has not been reported in the literature in individuals affected with SLC25A1-related conditions. This variant is present in population databases (rs782723670, gnomAD 0.009%). This sequence change replaces threonine, which is neutral and polar, with methionine, which is neutral and non-polar, at codon 310 of the SLC25A1 protein (p.Thr310Met).

NM_005984.5(SLC25A1):c.929C>T (p.Thr310Met)

Gene: SLC25A1 (solute carrier family 25 member 1; minus strand). Cytogenetic location: 22q11.21.
Variant type: single nucleotide variant.
Coding change: c.929C>T on transcript NM_005984.5 (MANE Select); coding-DNA position 929, C replaced by T.
Protein change: p.Thr310Met; replaces threonine 310 with methionine.
Molecular consequence: missense variant. On other transcripts: non-coding transcript variant (1).
Genome position (GRCh38, 1-based): chr22:19,176,137, G>A on the plus strand (C>T on the coding strand, the complement: SLC25A1 is on the minus strand). VCF-style: chr22-19176137-G-A. GRCh37 (hg19) VCF-style: chr22-19163650-G-A.
Other names: c.950C>T, p.Thr317Met (NM_001256534.2); c.620C>T, p.Thr207Met (NM_001287387.2); short protein forms T317M, T207M, T310M.
Identifiers: ClinVar variation 2200903 (VCV002200903.3), dbSNP rs782723670, ClinGen allele CA10097239.